The following is an entry in ClinVar:

NM_000465.4(BARD1):c.1627T>C (p.Leu543=)

Gene: BARD1 (BRCA1 associated RING domain 1; minus strand). Cytogenetic location: 2q35.
Variant type: single nucleotide variant.
Coding change: c.1627T>C on transcript NM_000465.4 (MANE Select); coding-DNA position 1627, T replaced by C.
Protein change: p.Leu543=; no amino-acid change (leucine 543 retained).
Molecular consequence: synonymous variant. On other transcripts: non-coding transcript variant (3), intron variant (1).
Genome position (GRCh38, 1-based): chr2:214,752,497, A>G on the plus strand (T>C on the coding strand, the complement: BARD1 is on the minus strand). VCF-style: chr2-214752497-A-G. GRCh37 (hg19) VCF-style: chr2-215617221-A-G.
Other names: c.1570T>C, p.Leu524= (NM_001282543.2); c.274T>C, p.Leu92= (NM_001282545.2); c.217T>C, p.Leu73= (NM_001282548.2); c.365-21989T>C (NM_001282549.2).
Identifiers: ClinVar variation 1776730 (VCV001776730.6), dbSNP rs2469378258, ClinGen allele CA431147801.
Genomic context (GRCh38, chr2:214,752,497, plus strand): 5'-CCATACTTACTACTGAGCAGTGGCTAGCTGAGGATGATTCATTCTTCTCTGGTAGCAGCA[A>G]TAGCGATTTCATACTTTCATCATCTGTATAATCGACAGGCCGCAGACCAAATATATTACT-3'
Protein context (NP_000456.2, residues 533-553): YTDDESMKSL[Leu543=]LLPEKNESSS

ClinVar aggregate classification (germline): Benign/Likely benign. Review status: criteria provided, multiple submitters, no conflicts (2 of 4 stars). 3 submissions from 3 submitters: Benign (1); Likely benign (2). Last evaluated 2024-07-26.

Conditions:
Hereditary cancer-predisposing syndrome. Also called: Neoplastic Syndromes, Hereditary; Tumor predisposition; Hereditary Cancer Syndrome; Hereditary neoplastic syndrome. Identifiers: Orphanet 140162, MedGen C0027672, MeSH D009386, MONDO:0015356.
Familial cancer of breast. Also called: BREAST CANCER, FAMILIAL; Hereditary breast cancer; hereditary breast carcinoma. Identifiers: Orphanet 227535, MedGen C0346153, MONDO:0016419, OMIM 114480. Disease mechanism: loss of function.

Submissions (3):

Myriad Genetics, Inc.
Classification: Benign for Familial cancer of breast. Last evaluated: 2024-07-26. Review status: criteria provided, single submitter. Criteria: Myriad Autosomal Dominant, Autosomal Recessive and X-Linked Classification Criteria (2023). Collection method: clinical testing. Allele origin: unknown.
Comment: This variant is considered benign. This variant is a silent/synonymous amino acid change and it is not expected to impact splicing.

Labcorp Genetics (formerly Invitae), Labcorp
Classification: Likely benign for Familial cancer of breast. Last evaluated: 2022-11-23. Review status: criteria provided, single submitter. Criteria: Invitae Variant Classification Sherloc (09022015). Collection method: clinical testing. Allele origin: germline.

Ambry Genetics
Classification: Likely benign for Hereditary cancer-predisposing syndrome. Last evaluated: 2022-07-02. Review status: criteria provided, single submitter. Criteria: Ambry Variant Classification Scheme 2023. Collection method: clinical testing. Allele origin: germline.